The following is an entry in ClinVar:

ClinVar aggregate classification (germline): Uncertain significance (1 of 4 stars; one submission).

Conditions:
Dilated cardiomyopathy 1G (CMD1G). Identifiers: Orphanet 154, MedGen C1858763, MONDO:0011400, OMIM 604145.
Autosomal recessive limb-girdle muscular dystrophy type 2J (LGMDR10). Also called: Limb-girdle muscular dystrophy, type 2J; MUSCULAR DYSTROPHY, LIMB-GIRDLE, AUTOSOMAL RECESSIVE 10. Identifiers: Orphanet 140922, MedGen C1837342, MONDO:0012127, OMIM 608807.

Allele frequency attached by ClinVar (database versions not stated): gnomAD exomes below 0.00001.
gnomAD v4.1: 2 of 1,613,996 alleles (0.00012%); highest among the groups gnomAD compares: Admixed American, 0.0033%; no homozygotes.

Submission:

Labcorp Genetics (formerly Invitae), Labcorp
Classification: Uncertain significance for Dilated cardiomyopathy 1G; Autosomal recessive limb-girdle muscular dystrophy type 2J. Last evaluated: 2022-08-22. Review status: criteria provided, single submitter. Criteria: Invitae Variant Classification Sherloc (09022015). Collection method: clinical testing. Allele origin: germline.
Comment: In summary, the available evidence is currently insufficient to determine the role of this variant in disease. Therefore, it has been classified as a Variant of Uncertain Significance. This variant is located in the M band of TTN (PMID: 25589632). Variants in this region may be relevant for neuromuscular disorders, but have not been definitively shown to cause cardiomyopathy (PMID: 23975875). Experimental studies and prediction algorithms are not available or were not evaluated, and the functional significance of this variant is currently unknown. ClinVar contains an entry for this variant (Variation ID: 1439745). This variant has not been reported in the literature in individuals affected with TTN-related conditions. This variant is present in population databases (no rsID available, gnomAD 0.003%). This sequence change replaces serine, which is neutral and polar, with cysteine, which is neutral and slightly polar, at codon 35837 of the TTN protein (p.Ser35837Cys).

Literature cited by the submitters: PubMed 25589632; PubMed 23975875.

NM_001267550.2(TTN):c.107509A>T (p.Ser35837Cys)

Genes: TTN (titin; minus strand), TTN-AS1 (TTN antisense RNA 1; plus strand). Cytogenetic location: 2q31.2.
Variant type: single nucleotide variant.
Coding change: c.107509A>T on transcript NM_001267550.2 (MANE Select); coding-DNA position 107509, A replaced by T.
Protein change: p.Ser35837Cys; replaces serine 35837 with cysteine.
Molecular consequence: missense variant.
Genome position (GRCh38, 1-based): chr2:178,527,617, T>A on the plus strand (A>T on the coding strand, the complement: TTN is on the minus strand). VCF-style: chr2-178527617-T-A. GRCh37 (hg19) VCF-style: chr2-179392344-T-A.
Other names: c.102586A>T, p.Ser34196Cys (NM_001256850.1); c.80314A>T, p.Ser26772Cys (NM_003319.4); c.99805A>T, p.Ser33269Cys (NM_133378.4); c.80689A>T, p.Ser26897Cys (NM_133432.3); c.80890A>T, p.Ser26964Cys (NM_133437.4); short protein forms S33269C, S34196C, S35837C, S26772C, S26897C, S26964C.
Identifiers: ClinVar variation 1439745 (VCV001439745.6), dbSNP rs1232738337, ClinGen allele CA349400229.
Genomic context (GRCh38, chr2:178,527,617, plus strand): 5'-ACATGCTTTGGGCAGACATGCTTGCAAATTTCATCTCAGTCATGCTGCTAGCACTGCTGC[T>A]GCTGAAACTGCTGAAGGAGGCCTCCTGCTTGGAGGCAGACATTTGGACTGACTGAGACGA-3'
Protein context (NP_001254479.2, residues 35827-35847): KQEASFSSFS[Ser35837Cys]SSASSMTEMK